The following is an entry in ClinVar:

ClinVar aggregate classification (germline): Uncertain significance. Review status: criteria provided, multiple submitters, no conflicts (2 of 4 stars). 2 submissions from 2 submitters: Uncertain significance (2). Last evaluated 2022-05-01.

Conditions:
Charcot-Marie-Tooth disease type 2. Also called: Charcot-Marie-Tooth type 2. Identifiers: Orphanet 64746, MedGen C0270914, MONDO:0018993.

Allele frequency attached by ClinVar (database versions not stated): ExAC 0.00002; gnomAD 0.00002; TOPMed below 0.00001; gnomAD exomes 0.00001.
gnomAD v4.1: 13 of 1,614,088 alleles (0.00081%); highest among the groups gnomAD compares: Non-Finnish European, 0.00093%; no homozygotes.

Submissions (2):

Labcorp Genetics (formerly Invitae), Labcorp
Classification: Uncertain significance for Charcot-Marie-Tooth disease type 2. Last evaluated: 2022-05-01. Review status: criteria provided, single submitter. Criteria: Invitae Variant Classification Sherloc (09022015). Collection method: clinical testing. Allele origin: germline.
Comment: ClinVar contains an entry for this variant (Variation ID: 648133). This sequence change replaces aspartic acid, which is acidic and polar, with histidine, which is basic and polar, at codon 370 of the GARS protein (p.Asp370His). This variant is present in population databases (rs769026859, gnomAD 0.003%). This variant has not been reported in the literature in individuals affected with GARS-related conditions. Algorithms developed to predict the effect of missense changes on protein structure and function are either unavailable or do not agree on the potential impact of this missense change (SIFT: "Deleterious"; PolyPhen-2: "Probably Damaging"; Align-GVGD: "Class C15"). In summary, the available evidence is currently insufficient to determine the role of this variant in disease. Therefore, it has been classified as a Variant of Uncertain Significance.

Ambry Genetics
Classification: Uncertain significance. Last evaluated: 2021-07-26. Review status: criteria provided, single submitter. Criteria: Ambry Variant Classification Scheme 2023. Collection method: clinical testing. Allele origin: germline.
Comment: The p.D370H variant (also known as c.1108G>C), located in coding exon 9 of the GARS gene, results from a G to C substitution at nucleotide position 1108. The aspartic acid at codon 370 is replaced by histidine, an amino acid with similar properties. This amino acid position is highly conserved in available vertebrate species. In addition, this alteration is predicted to be deleterious by in silico analysis. Since supporting evidence is limited at this time, the clinical significance of this alteration remains unclear.

NM_002047.4(GARS1):c.1108G>C (p.Asp370His)

Gene: GARS1 (glycyl-tRNA synthetase 1; plus strand). Cytogenetic location: 7p14.3.
Variant type: single nucleotide variant.
Coding change: c.1108G>C on transcript NM_002047.4 (MANE Select); coding-DNA position 1108, G replaced by C.
Protein change: p.Asp370His; replaces aspartic acid 370 with histidine.
Molecular consequence: missense variant.
Genome position (GRCh38, 1-based): chr7:30,615,972, G>C. VCF-style: chr7-30615972-G-C. GRCh37 (hg19) VCF-style: chr7-30655588-G-C.
Other names: c.1108G>C (LRG_243t1); c.946G>C, p.Asp316His (NM_001316772.1); short protein forms D316H, D370H.
Identifiers: ClinVar variation 648133 (VCV000648133.10), dbSNP rs769026859, ClinGen allele CA4205895.